The following is an entry in ClinVar:

NM_013275.6(ANKRD11):c.6193TTC[1] (p.Phe2066del)

Gene: ANKRD11 (ankyrin repeat domain 11; minus strand). Cytogenetic location: 16q24.3.
Variant type: Microsatellite.
Coding change: c.6193TTC[1] on transcript NM_013275.6 (MANE Select); one copy of the 3-base unit TTC starting at c.6193; the reference has two copies in a row; one copy, 3 bases deleted; also written c.6196_6198del.
Protein change: p.Phe2066del; deletes phenylalanine 2066.
Molecular consequence: inframe deletion.
Genome position (GRCh38, 1-based): chr16:89,280,344-89,280,346, GAA deleted on the plus strand (TTC on the coding strand, the reverse complement: ANKRD11 is on the minus strand); deleting any 3 consecutive bases within chr16:89,280,344-89,280,350 gives the same sequence; the position shown is the placement nearest the transcript's 3' end. VCF-style (leftmost placement, unchanged base first): chr16-89280343-TGAA-T. GRCh37 (hg19) VCF-style: chr16-89346751-TGAA-T.
Other names: c.6196_6198del (NM_013275.6); c.6193TTC[1], p.Phe2066del (NM_001256182.2, NM_001256183.2); short protein forms F2066del.
Identifiers: ClinVar variation 588099 (VCV000588099.15), dbSNP rs781573469, ClinGen allele CA8241538.

ClinVar aggregate classification (germline): Conflicting classifications of pathogenicity. Review status: criteria provided, conflicting classifications (1 of 4 stars). 5 submissions from 5 submitters: Uncertain significance (1); Likely benign (3). 1 of the submissions does not count toward it. Last evaluated 2026-01-04.

Conditions:
Inborn genetic diseases. Identifiers: MedGen C0950123, MeSH D030342.
KBG syndrome (KBGS). Also called: ANKRD11-Related KBG Syndrome. Identifiers: Orphanet 2332, MedGen C0220687, MONDO:0007846, OMIM 148050.
Isolated dental anomalies.

Submissions (5):

Labcorp Genetics (formerly Invitae), Labcorp
Classification: Uncertain significance for KBG syndrome. Last evaluated: 2026-01-04. Review status: criteria provided, single submitter. Criteria: Invitae Variant Classification Sherloc (09022015). Collection method: clinical testing. Allele origin: germline.
Comment: This variant, c.6196_6198del, results in the deletion of 1 amino acid(s) of the ANKRD11 protein (p.Phe2066del), but otherwise preserves the integrity of the reading frame. This variant is present in population databases (rs781573469, gnomAD 0.02%). This variant has not been reported in the literature in individuals affected with ANKRD11-related conditions. Experimental studies and prediction algorithms are not available or were not evaluated, and the functional significance of this variant is currently unknown. In summary, the available evidence is currently insufficient to determine the role of this variant in disease. Therefore, it has been classified as a Variant of Uncertain Significance.

Blueprint Genetics
Classification: Likely benign. Last evaluated: 2023-03-14. Review status: criteria provided, single submitter. Criteria: ACMG Guidelines, 2015. Collection method: clinical testing. Allele origin: germline.

GeneDx
Classification: Likely benign. Last evaluated: 2019-11-14. Review status: criteria provided, single submitter. Criteria: GeneDx Variant Classification Process June 2021. Collection method: clinical testing. Allele origin: germline. Affected: yes.

Ambry Genetics
Classification: Likely benign for Inborn genetic diseases. Last evaluated: 2018-05-14. Review status: criteria provided, single submitter. Criteria: Ambry Variant Classification Scheme 2023. Collection method: clinical testing. Allele origin: germline.

Center of Excellence in Medical Genetics Research, Chiang Mai University
Classification: Uncertain significance for Isolated dental anomalies. Last evaluated: 2026-08-18. Review status: no assertion criteria provided. Collection method: research. Allele origin: germline. Affected: yes. Observed: 2 variant alleles. Not counted in ClinVar's aggregate classification.
Comment: NM_013275.6:c.6196_6198del is an in-frame deletion in ANKRD11. The in silico mutation prediction result was MutationTaster (Disease Causing; 0.999911696871596; PM4). It occurs at an extremely low frequency in the gnomAD population database (gnomAD Global = 0.00006404, South Asian = 0.00008007, East Asian = 0.0001126) and is absent in the T-Rex database (Thai exomes: 0/2184) (PM2). This variant has been previously reported in ClinVar with likely benign (BP6). In summary, this variant meets the criteria to be classified as a variant of uncertain significance (VUS) for isolated dental anomalies based on the ACMG/AMP criteria applied.